The following is an entry in ClinVar:

NM_003482.4(KMT2D):c.11792_11809del (p.Leu3931_Gln3936del)

Gene: KMT2D (lysine methyltransferase 2D; minus strand). Cytogenetic location: 12q13.12.
Variant type: Deletion.
Coding change: c.11792_11809del on transcript NM_003482.4 (MANE Select); coding-DNA positions 11792 to 11809, 18 bases deleted (TTCAACAGCAGCAACAGC).
Protein change: p.Leu3931_Gln3936del.
Molecular consequence: inframe deletion.
Genome position (GRCh38, 1-based): chr12:49,032,896-49,032,913, GCTGTTGCTGCTGTTGAA deleted on the plus strand (TTCAACAGCAGCAACAGC on the coding strand, the reverse complement: KMT2D is on the minus strand); deleting any 18 consecutive bases within chr12:49,032,896-49,032,926 gives the same sequence; the c. name uses the placement nearest the transcript's 3' end. VCF-style (leftmost placement, unchanged base first): chr12-49032895-TGCTGTTGCTGCTGTTGAA-T. GRCh37 (hg19) VCF-style: chr12-49426678-TGCTGTTGCTGCTGTTGAA-T.
Identifiers: ClinVar variation 1310524 (VCV001310524.7), dbSNP rs752843878, ClinGen allele CA605233614.
Genomic context (GRCh38, chr12:49,032,895, plus strand): 5'-TGTTGTAGCTGCTGTTGCTGCTGTTGAAGCTGTTGCTGCTGCTGTTGTTGAAGCTGCTGC[TGCTGTTGCTGCTGTTGAA>T]GCTGTTGCTGCTGAAGTTGCTGTTGCTGTTGTAGCTGCTGCTGCTGCTGCTGCTGAAGTT-3'

ClinVar aggregate classification (germline): Uncertain significance. Review status: criteria provided, multiple submitters, no conflicts (2 of 4 stars). 2 submissions from 2 submitters: Uncertain significance (2). Last evaluated 2024-10-26.

Conditions:
Kabuki syndrome. Also called: Kabuki make-up syndrome; NIIKAWA-KUROKI SYNDROME. Identifiers: Orphanet 2322, MedGen C0796004, MONDO:0016512.

Submissions (2):

Labcorp Genetics (formerly Invitae), Labcorp
Classification: Uncertain significance for Kabuki syndrome. Last evaluated: 2024-10-26. Review status: criteria provided, single submitter. Criteria: Invitae Variant Classification Sherloc (09022015). Collection method: clinical testing. Allele origin: germline.
Comment: This variant, c.11792_11809del, results in the deletion of 6 amino acid(s) of the KMT2D protein (p.Leu3931_Gln3936del), but otherwise preserves the integrity of the reading frame. The frequency data for this variant in the population databases is considered unreliable, as metrics indicate poor data quality at this position in the gnomAD database. This variant has not been reported in the literature in individuals affected with KMT2D-related conditions. This variant has been observed in at least one individual who was not affected with KMT2D-related conditions (internal data). ClinVar contains an entry for this variant (Variation ID: 1310524). Experimental studies and prediction algorithms are not available or were not evaluated, and the functional significance of this variant is currently unknown. In summary, the available evidence is currently insufficient to determine the role of this variant in disease. Therefore, it has been classified as a Variant of Uncertain Significance.

GeneDx
Classification: Uncertain significance. Last evaluated: 2019-11-21. Review status: criteria provided, single submitter. Criteria: GeneDx Variant Classification Process June 2021. Collection method: clinical testing. Allele origin: germline. Affected: yes.
Comment: In-frame deletion of 6 amino acids in a non-repeat region; In silico analysis, which includes protein predictors and evolutionary conservation, supports a deleterious effect; Has not been previously published as pathogenic or benign to our knowledge; An overlapping in-frame deletion has been reported in the Human Gene Mutation Database (Stenson et al., 2014)